The following is an entry in ClinVar:

NM_020832.3(ZNF687):c.1475G>A (p.Arg492Gln)

Gene: ZNF687 (zinc finger protein 687; plus strand). Cytogenetic location: 1q21.3.
Variant type: single nucleotide variant.
Coding change: c.1475G>A on transcript NM_020832.3 (MANE Select); coding-DNA position 1475, G replaced by A.
Protein change: p.Arg492Gln; replaces arginine 492 with glutamine.
Molecular consequence: missense variant.
Genome position (GRCh38, 1-based): chr1:151,287,766, G>A. VCF-style: chr1-151287766-G-A. GRCh37 (hg19) VCF-style: chr1-151260242-G-A.
Other names: c.1475G>A (NM_020832.1); c.1475G>A, p.Arg492Gln (NM_001304763.2, NM_001304764.2); short protein forms R492Q.
Identifiers: ClinVar variation 2084223 (VCV002084223.5), dbSNP rs376121752, ClinGen allele CA1088344.
Genomic context (GRCh38, chr1:151,287,766, plus strand): 5'-TGGTGCAACCTTCAAAGACAGCTACTGGGCCAAGTACAGGGGGCGGCACAGTGATATCAC[G>A]GACCCAGTCCAGCCTGGTGGAGGCCTTCAACAAGATCCTCAACAGCAAGAACCTGCTCCC-3'
Protein context (NP_065883.1, residues 482-502): PSTGGGTVIS[Arg492Gln]TQSSLVEAFN

ClinVar aggregate classification (germline): Uncertain significance. Review status: criteria provided, multiple submitters, no conflicts (2 of 4 stars). 2 submissions from 2 submitters: Uncertain significance (2). Last evaluated 2025-08-11.

Allele frequency attached by ClinVar (database versions not stated): gnomAD exomes 0.00001; gnomAD 0.00005; ExAC 0.00007; ESP Exome Variant Server 0.00008; TOPMed 0.00011.

Submissions (2):

Labcorp Genetics (formerly Invitae), Labcorp
Classification: Uncertain significance. Last evaluated: 2025-08-11. Review status: criteria provided, single submitter. Criteria: Invitae Variant Classification Sherloc (09022015). Collection method: clinical testing. Allele origin: germline.
Comment: This sequence change replaces arginine, which is basic and polar, with glutamine, which is neutral and polar, at codon 492 of the ZNF687 protein (p.Arg492Gln). This variant is present in population databases (rs376121752, gnomAD 0.02%). This variant has not been reported in the literature in individuals affected with ZNF687-related conditions. ClinVar contains an entry for this variant (Variation ID: 2084223). An algorithm developed to predict the effect of missense changes on protein structure and function (PolyPhen-2) suggests that this variant is likely to be disruptive. In summary, the available evidence is currently insufficient to determine the role of this variant in disease. Therefore, it has been classified as a Variant of Uncertain Significance.

Ambry Genetics
Classification: Uncertain significance. Last evaluated: 2023-12-14. Review status: criteria provided, single submitter. Criteria: Ambry Variant Classification Scheme 2023. Collection method: clinical testing. Allele origin: germline.